The following is an entry in ClinVar:

NM_003036.4(SKI):c.1748C>T (p.Ala583Val)

Gene: SKI (SKI proto-oncogene; plus strand). Cytogenetic location: 1p36.32.
Variant type: single nucleotide variant.
Coding change: c.1748C>T on transcript NM_003036.4 (MANE Select); coding-DNA position 1748, C replaced by T.
Protein change: p.Ala583Val; replaces alanine 583 with valine.
Molecular consequence: missense variant.
Genome position (GRCh38, 1-based): chr1:2,304,566, C>T. VCF-style: chr1-2304566-C-T. GRCh37 (hg19) VCF-style: chr1-2236005-C-T.
Other names: short protein forms A583V.
Identifiers: ClinVar variation 5006261 (VCV005006261.2).

ClinVar aggregate classification (germline): Uncertain significance (1 of 4 stars; one submission).

Conditions:
Shprintzen-Goldberg syndrome (SGS). Also called: SHPRINTZEN-GOLDBERG CRANIOSYNOSTOSIS SYNDROME; CRANIOSYNOSTOSIS WITH ARACHNODACTYLY AND ABDOMINAL HERNIAS; Marfanoid disorder with craniosynostosis type 1; Marfanoid craniosynostosis syndrome; Shprintzen-Goldberg marfanoid syndrome. Identifiers: Orphanet 2462, MedGen C1321551, MONDO:0008426, OMIM 182212.

Submission:

Juno Genomics, Hangzhou Juno Genomics, Inc
Classification: Uncertain significance for Shprintzen-Goldberg syndrome. Review status: criteria provided, single submitter. Criteria: ACMG Guidelines, 2015. Collection method: clinical testing. Allele origin: germline.
Comment: Absent from controls (or at extremely low frequency if recessive) in Genome Aggregation Database.